The following is an entry in ClinVar:

ClinVar aggregate classification (germline): Uncertain significance (1 of 4 stars; one submission).

Submission:

Labcorp Genetics (formerly Invitae), Labcorp
Classification: Uncertain significance. Last evaluated: 2022-02-20. Review status: criteria provided, single submitter. Criteria: Invitae Variant Classification Sherloc (09022015). Collection method: clinical testing. Allele origin: germline.
Comment: This sequence change replaces leucine, which is neutral and non-polar, with phenylalanine, which is neutral and non-polar, at codon 721 of the CTR9 protein (p.Leu721Phe). This variant is not present in population databases (gnomAD no frequency). This variant has not been reported in the literature in individuals affected with CTR9-related conditions. Algorithms developed to predict the effect of missense changes on protein structure and function (SIFT, PolyPhen-2, Align-GVGD) all suggest that this variant is likely to be tolerated. In summary, the available evidence is currently insufficient to determine the role of this variant in disease. Therefore, it has been classified as a Variant of Uncertain Significance.

NM_014633.5(CTR9):c.2161C>T (p.Leu721Phe)

Gene: CTR9 (CTR9 component of Paf1/RNA polymerase II complex; plus strand). Cytogenetic location: 11p15.4.
Variant type: single nucleotide variant.
Coding change: c.2161C>T on transcript NM_014633.5 (MANE Select); coding-DNA position 2161, C replaced by T.
Protein change: p.Leu721Phe; replaces leucine 721 with phenylalanine.
Molecular consequence: missense variant.
Genome position (GRCh38, 1-based): chr11:10,770,261, C>T. VCF-style: chr11-10770261-C-T. GRCh37 (hg19) VCF-style: chr11-10791808-C-T.
Other names: c.2161C>T, p.Leu721Phe (NM_001346279.2); short protein forms L721F.
Identifiers: ClinVar variation 2100618 (VCV002100618.4), dbSNP rs2539386812, ClinGen allele CA379674535.